The following is an entry in ClinVar:

ClinVar aggregate classification (germline): Uncertain significance. Review status: criteria provided, multiple submitters, no conflicts (2 of 4 stars). 2 submissions from 2 submitters: Uncertain significance (2). Last evaluated 2022-04-02.

Submissions (2):

Blueprint Genetics
Classification: Uncertain significance. Last evaluated: 2022-04-02. Review status: criteria provided, single submitter. Criteria: ACMG Guidelines, 2015. Collection method: clinical testing. Allele origin: germline.

Labcorp Genetics (formerly Invitae), Labcorp
Classification: Uncertain significance. Last evaluated: 2022-01-12. Review status: criteria provided, single submitter. Criteria: Invitae Variant Classification Sherloc (09022015). Collection method: clinical testing. Allele origin: germline.
Comment: In summary, the available evidence is currently insufficient to determine the role of this variant in disease. Therefore, it has been classified as a Variant of Uncertain Significance. Algorithms developed to predict the effect of sequence changes on RNA splicing suggest that this variant may create or strengthen a splice site. Algorithms developed to predict the effect of missense changes on protein structure and function (SIFT, PolyPhen-2, Align-GVGD) all suggest that this variant is likely to be disruptive. ClinVar contains an entry for this variant (Variation ID: 1015454). This variant has not been reported in the literature in individuals affected with CACNA2D4-related conditions. This variant is not present in population databases (gnomAD no frequency). This sequence change replaces isoleucine, which is neutral and non-polar, with threonine, which is neutral and polar, at codon 330 of the CACNA2D4 protein (p.Ile330Thr).

NM_172364.5(CACNA2D4):c.989T>C (p.Ile330Thr)

Gene: CACNA2D4 (calcium voltage-gated channel auxiliary subunit alpha2delta 4; minus strand). Cytogenetic location: 12p13.33.
Variant type: single nucleotide variant.
Coding change: c.989T>C on transcript NM_172364.5 (MANE Select); coding-DNA position 989, T replaced by C.
Protein change: p.Ile330Thr; replaces isoleucine 330 with threonine.
Molecular consequence: missense variant.
Genome position (GRCh38, 1-based): chr12:1,886,227, A>G on the plus strand (T>C on the coding strand, the complement: CACNA2D4 is on the minus strand). VCF-style: chr12-1886227-A-G. GRCh37 (hg19) VCF-style: chr12-1995393-A-G.
Other names: short protein forms I330T.
Identifiers: ClinVar variation 1015454 (VCV001015454.11), dbSNP rs1866140355, ClinGen allele CA383360358.